The following is an entry in ClinVar:

NM_000404.4(GLB1):c.1641G>A (p.Thr547=)

Gene: GLB1 (galactosidase beta 1; minus strand). Cytogenetic location: 3p22.3.
Variant type: single nucleotide variant.
Coding change: c.1641G>A on transcript NM_000404.4 (MANE Select); coding-DNA position 1641, G replaced by A.
Protein change: p.Thr547=; no amino-acid change (threonine 547 retained).
Molecular consequence: synonymous variant.
Genome position (GRCh38, 1-based): chr3:33,014,149, C>T on the plus strand (G>A on the coding strand, the complement: GLB1 is on the minus strand). VCF-style: chr3-33014149-C-T. GRCh37 (hg19) VCF-style: chr3-33055641-C-T.
Other names: c.1551G>A, p.Thr517= (NM_001079811.3); c.1248G>A, p.Thr416= (NM_001135602.3); c.1785G>A, p.Thr595= (NM_001317040.2); c.1641G>A, p.Thr547= (NM_001393580.1); c.1641G>A (NM_000404.3).
Identifiers: ClinVar variation 704479 (VCV000704479.12), dbSNP rs370546368, ClinGen allele CA2299338.

ClinVar aggregate classification (germline): Likely benign. Review status: criteria provided, multiple submitters, no conflicts (2 of 4 stars). 3 submissions from 3 submitters: Likely benign (3). Last evaluated 2026-01-28.

Conditions:
GLB1-related disorder. Also called: GLB1-related disorders. Identifiers: MedGen CN377807.
Mucopolysaccharidosis, MPS-IV-B (MPS4B). Also called: Mucopolysaccharidosis type 4B; Mucopolysaccharidosis type IVB (Morquio); MPS IVB; Mucopolysaccharidosis type IV B; Mucopolysaccharidosis Type IVB (Morquio B Disease); MORQUIO SYNDROME B. Identifiers: Orphanet 309310, Orphanet 582, MedGen C0086652, MONDO:0009660, OMIM 253010.
GM1 gangliosidosis. Identifiers: Orphanet 354, MedGen C0085131, MONDO:0018149.

Allele frequency attached by ClinVar (database versions not stated): TOPMed 0.00006; ESP Exome Variant Server 0.00016; gnomAD 0.00021 and 0.00024; ExAC 0.00032; gnomAD exomes 0.00036; 1000 Genomes Project 30x 0.00094; 1000 Genomes Project 0.00100.
gnomAD v4.1: 451 of 1,614,122 alleles (0.028%); highest among the groups gnomAD compares: South Asian, 0.21%; 1 homozygote.

Submissions (3):

Labcorp Genetics (formerly Invitae), Labcorp
Classification: Likely benign for Mucopolysaccharidosis, MPS-IV-B; GM1 gangliosidosis. Last evaluated: 2026-01-28. Review status: criteria provided, single submitter. Criteria: Invitae Variant Classification Sherloc (09022015). Collection method: clinical testing. Allele origin: germline.

PreventionGenetics, part of Exact Sciences
Classification: Likely benign for GLB1-related condition. Last evaluated: 2025-06-01. Review status: criteria provided, single submitter. Criteria: ACMG Guidelines, 2015. Collection method: clinical testing. Allele origin: germline.
Comment: This variant is classified as likely benign based on ACMG/AMP sequence variant interpretation guidelines (Richards et al. 2015 PMID: 25741868, with internal and published modifications).

Blueprint Genetics
Classification: Likely benign. Last evaluated: 2024-09-30. Review status: criteria provided, single submitter. Criteria: ACMG Guidelines, 2015. Collection method: clinical testing. Allele origin: germline.